The following is an entry in ClinVar:

ClinVar aggregate classification (germline): Uncertain significance (1 of 4 stars; one submission).

Allele frequency attached by ClinVar (database versions not stated): gnomAD 0.00002; TOPMed 0.00005; 1000 Genomes Project 30x 0.00016; 1000 Genomes Project 0.00020.
gnomAD v4.1: 65 of 1,613,118 alleles (0.004%); highest among the groups gnomAD compares: East Asian, 0.0067%; no homozygotes.

Submission:

Labcorp Genetics (formerly Invitae), Labcorp
Classification: Uncertain significance. Last evaluated: 2024-10-23. Review status: criteria provided, single submitter. Criteria: Invitae Variant Classification Sherloc (09022015). Collection method: clinical testing. Allele origin: germline.
Comment: This sequence change replaces arginine, which is basic and polar, with histidine, which is basic and polar, at codon 461 of the LMF1 protein (p.Arg461His). This variant is present in population databases (rs557053661, gnomAD 0.007%). This missense change has been observed in individual(s) with clinical features of LMF1-related conditions (PMID: 30037590). ClinVar contains an entry for this variant (Variation ID: 2184806). An algorithm developed to predict the effect of missense changes on protein structure and function (PolyPhen-2) suggests that this variant is likely to be disruptive. In summary, the available evidence is currently insufficient to determine the role of this variant in disease. Therefore, it has been classified as a Variant of Uncertain Significance.

Literature cited by the submitters: PubMed 30037590.

NM_022773.4(LMF1):c.1382G>A (p.Arg461His)

Gene: LMF1 (lipase maturation factor 1; minus strand). Cytogenetic location: 16p13.3.
Variant type: single nucleotide variant.
Coding change: c.1382G>A on transcript NM_022773.4 (MANE Select); coding-DNA position 1382, G replaced by A.
Protein change: p.Arg461His; replaces arginine 461 with histidine.
Molecular consequence: missense variant. On other transcripts: non-coding transcript variant (1), intron variant (1).
Genome position (GRCh38, 1-based): chr16:869,917, C>T on the plus strand (G>A on the coding strand, the complement: LMF1 is on the minus strand). VCF-style: chr16-869917-C-T. GRCh37 (hg19) VCF-style: chr16-919917-C-T.
Other names: c.731G>A, p.Arg244His (NM_001352017.2, NM_001352021.2); c.983G>A, p.Arg328His (NM_001352018.2); c.1055G>A, p.Arg352His (NM_001352019.2); c.1336+46G>A (NM_001352020.1); short protein forms R328H, R244H, R461H, R352H.
Identifiers: ClinVar variation 2184806 (VCV002184806.4), dbSNP rs557053661, ClinGen allele CA7797049.